The following is an entry in ClinVar:

NM_014846.4(WASHC5):c.3182-3C>T

Genes: WASHC5 (WASH complex subunit 5; minus strand), LOC126860498 (P300/CBP strongly-dependent group 1 enhancer GRCh37_chr8:126043836-126045035; plus strand). Cytogenetic location: 8q24.13.
Variant type: single nucleotide variant.
Coding change: c.3182-3C>T on transcript NM_014846.4 (MANE Select); 3 bases into the intron before coding-DNA position 3182, C replaced by T.
Molecular consequence: intron variant.
Genome position (GRCh38, 1-based): chr8:125,032,397, G>A on the plus strand (C>T on the coding strand, the complement: WASHC5 is on the minus strand). VCF-style: chr8-125032397-G-A. GRCh37 (hg19) VCF-style: chr8-126044639-G-A.
Other names: c.2738-3C>T (NM_001330609.2).
Identifiers: ClinVar variation 2505489 (VCV002505489.1), dbSNP rs2537273308, ClinGen allele CA2580617229.
Genomic context (GRCh38, chr8:125,032,397, plus strand): 5'-AGTCCCAGGACAAGTGGTGGCCAATCAACCGGGTCGGTCGGTTTTCGGCAGACCATTCCT[G>A]CAAGGGAACAAGTTGCAACACCATATGAAGTACTTGCCTTCAGCAACATTCATTAAATAC-3'

ClinVar aggregate classification (germline): Uncertain significance (1 of 4 stars; one submission).

Conditions:
Hereditary spastic paraplegia 8 (SPG8). Also called: SPASTIC PARAPLEGIA 8, AUTOSOMAL DOMINANT. Identifiers: Orphanet 100989, MedGen C1863704, MONDO:0011339, OMIM 603563.

Allele frequency attached by ClinVar (database versions not stated): gnomAD exomes below 0.00001.
gnomAD v4.1: 1 of 1,613,824 alleles (0.000062%); no homozygotes.

Submission:

Center for Human Genetics and Genomic Medicine, Uniklinik Rwth Aachen
Classification: Uncertain significance for Hereditary spastic paraplegia 8. Last evaluated: 2023-04-06. Review status: criteria provided, single submitter. Criteria: ACMG Guidelines, 2015. Collection method: clinical testing. Allele origin: maternal. Inheritance: Autosomal dominant inheritance. Affected: yes.
Comment: To date, this variant is not listed in population databases (gnomAD v2.1.1) and has not been reported in the literature in individuals with WASHC5-associated disorders. Based on insufficient evidence, the clinical significance of this alteration remains unclear.